The following is an entry in ClinVar:

ClinVar aggregate classification (germline): Uncertain significance (1 of 4 stars; one submission).

gnomAD v4.1: 12 of 1,607,708 alleles (0.00075%); highest among the groups gnomAD compares: African/African-American, 0.0027%; no homozygotes.

Submission:

Labcorp Genetics (formerly Invitae), Labcorp
Classification: Uncertain significance. Last evaluated: 2025-07-22. Review status: criteria provided, single submitter. Criteria: Invitae Variant Classification Sherloc (09022015). Collection method: clinical testing. Allele origin: germline.
Comment: This sequence change replaces glycine, which is neutral and non-polar, with serine, which is neutral and polar, at codon 1897 of the DCHS1 protein (p.Gly1897Ser). This variant is present in population databases (no rsID available, gnomAD 0.006%). This variant has not been reported in the literature in individuals affected with DCHS1-related conditions. Invitae Evidence Modeling of protein sequence and biophysical properties (such as structural, functional, and spatial information, amino acid conservation, physicochemical variation, residue mobility, and thermodynamic stability) has been performed for this missense variant. However, the output from this modeling did not meet the statistical confidence thresholds required to predict the impact of this variant on DCHS1 protein function. In summary, the available evidence is currently insufficient to determine the role of this variant in disease. Therefore, it has been classified as a Variant of Uncertain Significance.

NM_003737.4(DCHS1):c.5689G>A (p.Gly1897Ser)

Gene: DCHS1 (dachsous cadherin-related 1; minus strand). Cytogenetic location: 11p15.4.
Variant type: single nucleotide variant.
Coding change: c.5689G>A on transcript NM_003737.4 (MANE Select); coding-DNA position 5689, G replaced by A.
Protein change: p.Gly1897Ser; replaces glycine 1897 with serine.
Molecular consequence: missense variant.
Genome position (GRCh38, 1-based): chr11:6,627,350, C>T on the plus strand (G>A on the coding strand, the complement: DCHS1 is on the minus strand). VCF-style: chr11-6627350-C-T. GRCh37 (hg19) VCF-style: chr11-6648581-C-T.
Other names: short protein forms G1897S.
Identifiers: ClinVar variation 4698861 (VCV004698861.1).